The following is an entry in ClinVar:

ClinVar aggregate classification (germline): Uncertain significance (1 of 4 stars; one submission).

Conditions:
Inborn genetic diseases. Identifiers: MedGen C0950123, MeSH D030342.

gnomAD v4.1: 9 of 1,613,870 alleles (0.00056%); highest among the groups gnomAD compares: Non-Finnish European, 0.00076%; no homozygotes.

Submission:

Ambry Genetics
Classification: Uncertain significance for Inborn genetic diseases. Last evaluated: 2024-11-14. Review status: criteria provided, single submitter. Criteria: Ambry Variant Classification Scheme 2023. Collection method: clinical testing. Allele origin: germline.
Comment: The p.T478P variant (also known as c.1432A>C), located in coding exon 11 of the BUB1B gene, results from an A to C substitution at nucleotide position 1432. The threonine at codon 478 is replaced by proline, an amino acid with highly similar properties. This amino acid position is conserved. In addition, this alteration is predicted to be tolerated by in silico analysis. Based on the available evidence, the clinical significance of this variant remains unclear.

NM_001211.6(BUB1B):c.1432A>C (p.Thr478Pro)

Gene: BUB1B (BUB1 mitotic checkpoint serine/threonine kinase B; plus strand). Cytogenetic location: 15q15.1.
Variant type: single nucleotide variant.
Coding change: c.1432A>C on transcript NM_001211.6 (MANE Select); coding-DNA position 1432, A replaced by C.
Protein change: p.Thr478Pro; replaces threonine 478 with proline.
Molecular consequence: missense variant.
Genome position (GRCh38, 1-based): chr15:40,200,274, A>C. VCF-style: chr15-40200274-A-C. GRCh37 (hg19) VCF-style: chr15-40492475-A-C.
Other names: short protein forms T478P.
Identifiers: ClinVar variation 3483232 (VCV003483232.1).